The following is an entry in ClinVar:

NC_000023.10:g.(?_31140036)_(31366771_?)dup

Gene: DMD (dystrophin; minus strand). Cytogenetic location: Xp21.2.
Variant type: Duplication.
Identifiers: ClinVar variation 1512429 (VCV001512429.5).

ClinVar aggregate classification (germline): Uncertain significance (1 of 4 stars; one submission).

Conditions:
Duchenne muscular dystrophy (DMD). Also called: Duchenne Muscular Dystrophy (DMD); MUSCULAR DYSTROPHY, PSEUDOHYPERTROPHIC PROGRESSIVE, DUCHENNE TYPE. Identifiers: Orphanet 98896, MedGen C0013264, MONDO:0010679, OMIM 310200.

Submission:

Labcorp Genetics (formerly Invitae), Labcorp
Classification: Uncertain significance for Duchenne muscular dystrophy. Last evaluated: 2022-10-05. Review status: criteria provided, single submitter. Criteria: Invitae Variant Classification Sherloc (09022015). Collection method: clinical testing. Allele origin: germline.
Comment: This variant results in a copy number gain of the genomic region encompassing exon(s) 61-79 of the DMD gene. This region includes the termination codon of the gene. This copy number gain extends beyond the assayed region for this gene and therefore may encompass additional genes. As the precise location of this event is unknown, it may be in tandem or it may be located elsewhere in the genome. This variant has not been reported in the literature in individuals affected with DMD-related conditions. Experimental studies and prediction algorithms are not available or were not evaluated, and the functional significance of this variant is currently unknown. In summary, the available evidence is currently insufficient to determine the role of this variant in disease. Therefore, it has been classified as a Variant of Uncertain Significance.